The following continues an entry in ClinVar:

NM_000277.3(PAH):c.1208C>T (p.Ala403Val)

Gene: PAH. ClinVar aggregate classification (germline): Pathogenic. Pathogenic (1).

Submissions 28 to 44 of 47:

Myriad Genetics, Inc.
Classification: Pathogenic for Phenylketonuria. Last evaluated: 2019-12-14. Review status: criteria provided, single submitter. Criteria: Myriad Women's Health Autosomal Recessive and X-Linked Classification Criteria (2019). Collection method: clinical testing. Allele origin: unknown. Not counted in ClinVar's aggregate classification.
Comment: NM_000277.1(PAH):c.1208C>T(A403V) is classified as pathogenic in the context of phenylalanine hydroxylase deficiency and can be associated with variant or non-PKU hyperphenylalaninemia. Sources cited for classification include the following: PMID 23430547, 18299955, 17096675, 22513348, 23792259, 16198137, 17935162, 19062537, 24350308 and 22526846. Classification of NM_000277.1(PAH):c.1208C>T(A403V) is based on the following criteria: This is a well-established pathogenic variant in the literature that has been observed more frequently in patients with clinical diagnoses than in healthy populations. Please note: this variant was assessed in the context of healthy population screening.

Victorian Clinical Genetics Services, Murdoch Childrens Research Institute
Classification: Pathogenic for Phenylketonuria. Last evaluated: 2019-08-28. Review status: criteria provided, single submitter. Criteria: ACMG Guidelines, 2015. Collection method: clinical testing. Allele origin: germline. Inheritance: Autosomal recessive inheritance. Not counted in ClinVar's aggregate classification.
Comment: A heterozygous missense variant was identified, NM_000277.2(PAH):c.1208C>T in exon 12 of 13 of the PAH gene. This substitution is predicted to create a minor amino acid change from alanine to valine at position 403 of the protein, NP_000268.1(PAH):p.(Ala403Val). The alanine at this position has high conservation (100 vertebrates, UCSC), and is located within the biopterin hydroxylase domain. In silico software predictions of the pathogenicity of this variant are conflicting (Polyphen, SIFT, CADD, Mutation Taster). The variant is present in the gnomAD population database at a frequency of 0.06%% (164 heterozygotes, 0 homozygotes). The variant has previously been reported as pathogenic in patients with mild hyperphenylalaninemia and mild phenylketonuria (ClinVar, Jeannesson-Thivol E. et al. 2015). In addition, functional studies show that this variant results in approximately 43% residual activity compared to wild-type (Cerreto M. et al. 2011). Based on information available at the time of curation, this variant has been classified as PATHOGENIC.

Mendelics
Classification: Pathogenic for Phenylketonuria. Last evaluated: 2019-05-28. Review status: criteria provided, single submitter. Criteria: Mendelics Assertion Criteria 2017. Collection method: clinical testing. Allele origin: unknown. Not counted in ClinVar's aggregate classification.

Illumina Laboratory Services, Illumina
Classification: Pathogenic for Phenylketonuria. Last evaluated: 2019-01-09. Review status: criteria provided, single submitter. Criteria: ICSL Variant Classification Criteria 09 May 2019. Collection method: clinical testing. Allele origin: germline. Not counted in ClinVar's aggregate classification.
Comment: The PAH c.1208C>T (p.Ala403Val) missense variant is well-described as a pathogenic mild, BH4-responsive variant. Across a selection of the available literature, the p.Ala403Val variant has been identified in affected individuals of various ethnic origins including in six in a homozygous state, in 91 in a compound heterozygous state and in one in a heterozygous state (Spaapen et al. 2001; Desviat et al. 2001; Aulehla-Scholz et al. 2003; ZurflÃ¼h et al. 2008; Kasnauskiene et al. 2008; Sterl et al. 2013; Djordjevic et al. 2013; Couce et al. 2013; Trunzo et al. 2013; Bik-Multanowski et al. 2013). The p.Ala403Val was reported in two of 320 controls and is reported at a frequency of 0.005112 in the Ashkenazi Jewish population of the Genome Aggregation Database. The Ala403 residue is highly conserved. Functional studies demonstrated that the p.Ala403Val variant resulted in residual PAH enzyme activity between 12% and 32% of wild type (ZurflÃ¼het al. 2008; Danecka et al. 2015). Based on the collective evidence the p.Ala403Val variant is classified as pathogenic for phenylalanine hydroxylase deficiency. This variant was observed by ICSL as part of a predisposition screen in an ostensibly healthy population.

Fulgent Genetics
Classification: Pathogenic for Phenylketonuria. Last evaluated: 2018-10-31. Review status: criteria provided, single submitter. Criteria: ACMG Guidelines, 2015. Collection method: clinical testing. Allele origin: unknown. Not counted in ClinVar's aggregate classification.

Eurofins Ntd Llc (ga)
Classification: Pathogenic. Last evaluated: 2017-04-26. Review status: criteria provided, single submitter. Criteria: EGL Classification Definitions 2015. Collection method: clinical testing. Allele origin: germline. Observed: 28 variant alleles, 28 heterozygotes. Not counted in ClinVar's aggregate classification.

Knight Diagnostic Laboratories, Oregon Health and Sciences University
Classification: Pathogenic for Phenylketonuria. Last evaluated: 2016-04-05. Review status: criteria provided, single submitter. Criteria: ACMG Guidelines, 2015. Collection method: clinical testing. Allele origin: germline. Affected: no. Study: CSER-NextGen. Not counted in ClinVar's aggregate classification.
Comment: The c.1208C>T (p.Ala403Val) missense variant in the PAH gene is a well-established pathogenic variant associated with mild hyperphenylalaninemia and BH4-responsive phenylketonuria (Aulehla-Scholz et al., 2003; Fiori et al., 2005; Daniele et al., 2007; ZurflÃ¼h et al., 2008). Multiple in vitro functional studies have demonstrated that this variant results in reduced enzymatic activity to approximately 32% (BÃ©nit et al., 1999; Blau et al., 2002; Cerreto et al., 2011). This variant is reported at low frequency in the population databases (Exome Sequencing Project = 0.058%; 1000 Genomes = 0.2%; and ExAC = 0.0.093%). Multiple in silico algorithms predict this variant to have a deleterious effect (GERP = 5.63; CADD = 26.8; PolyPhen = 0.996). Multiple reputable diagnostic laboratories have reported this variant as a well-established pathogenic variant (Emory Genetics Laboratory, Partners HealthCare Personalized Medicine, and GeneDx). Therefore, this collective evidence supports the classification of the c.1208C>T (p.Ala403Val) as a Pathogenic variant for Phenylketonuria. We have confirmed this finding in our laboratory using Sanger sequencing.

Genome Diagnostics Laboratory, University Medical Center Utrecht
Classification: Pathogenic for Phenylketonuria. Last evaluated: 2014-10-08. Review status: criteria provided, single submitter. Criteria: ACGS Guidelines, 2013. Collection method: clinical testing. Allele origin: germline. Affected: yes. Study: VKGL Data-share Consensus. Not counted in ClinVar's aggregate classification.

Clinical Genetics Service, Universitary Hospital 12 de Octubre
Classification: Pathogenic for Phenylketonuria. Review status: criteria provided, single submitter. Criteria: ACMG Guidelines, 2015. Collection method: clinical testing. Allele origin: germline. Affected: yes. Not counted in ClinVar's aggregate classification.

Hadassah Hebrew University Medical Center
Classification: Pathogenic for Phenylketonuria. Review status: criteria provided, single submitter. Criteria: ACMG Guidelines, 2015. Collection method: research. Allele origin: germline. Affected: no. Observed: 2 variant alleles. Not counted in ClinVar's aggregate classification.

Institute of Human Genetics, Clinical Exome/Genome Diagnostics Group, University Hospital Bonn
Classification: Pathogenic for Phenylketonuria. Review status: criteria provided, single submitter. Criteria: ACMG Guidelines, 2015. Collection method: clinical testing. Allele origin: germline. Affected: yes. Not counted in ClinVar's aggregate classification.

Kariminejad - Najmabadi Pathology & Genetics Center
Classification: Pathogenic for Phenylketonuria. Review status: criteria provided, single submitter. Criteria: ACMG Guidelines, 2015. Collection method: clinical testing. Allele origin: germline. Affected: no. Not counted in ClinVar's aggregate classification.

Clinical Laboratory, Xuzhou Maternity and Child Health Care Hospital
Classification: Pathogenic for Phenylketonuria. Last evaluated: 2026-08-28. Review status: no assertion criteria provided. Collection method: clinical testing. Allele origin: germline. Affected: yes. Not counted in ClinVar's aggregate classification.

Clinical Laboratory Sciences Program (CLSP), King Saud bin Abdulaziz University for Health Sciences (KSAU-HS)
Classification: Pathogenic for Phenylketonuria. Last evaluated: 2023-04-01. Review status: no assertion criteria provided. Collection method: clinical testing. Allele origin: germline. Affected: yes. Not counted in ClinVar's aggregate classification.

Division of Human Genetics, Children's Hospital of Philadelphia
Classification: Pathogenic for Phenylketonuria. Last evaluated: 2015-09-23. Review status: no assertion criteria provided. Collection method: research. Allele origin: germline. Study: CSER-PediSeq. Not counted in ClinVar's aggregate classification.

Clinical Genetics DNA and cytogenetics Diagnostics Lab, Erasmus MC, Erasmus Medical Center
Classification: Pathogenic. Review status: no assertion criteria provided. Collection method: clinical testing. Allele origin: germline. Affected: yes. Study: VKGL Data-share Consensus. Not counted in ClinVar's aggregate classification.

DeBelle Laboratory for Biochemical Genetics, MUHC/MCH RESEARCH INSTITUTE
No classification provided. Review status: no classification provided. Collection method: not provided. Allele origin: not provided. Not counted in ClinVar's aggregate classification.